The following is an entry in ClinVar:

NM_000088.4(COL1A1):c.2344-3C>A

Gene: COL1A1 (collagen type I alpha 1 chain; minus strand). Cytogenetic location: 17q21.33.
Variant type: single nucleotide variant.
Coding change: c.2344-3C>A on transcript NM_000088.4 (MANE Select); 3 bases into the intron before coding-DNA position 2344, C replaced by A.
Molecular consequence: intron variant.
Genome position (GRCh38, 1-based): chr17:50,190,599, G>T on the plus strand (C>A on the coding strand, the complement: COL1A1 is on the minus strand). VCF-style: chr17-50190599-G-T. GRCh37 (hg19) VCF-style: chr17-48267960-G-T.
Identifiers: ClinVar variation 2862100 (VCV002862100.4), dbSNP rs2509192262, ClinGen allele CA2739268245.
Genomic context (GRCh38, chr17:50,190,599, plus strand): 5'-TTACGGGGGCACCACGAGCTCCAGTGGGACCAGCAGGGCCGCTGGGACCACTTTCACCCT[G>T]AGAGCAAGGGACAAGAGGCTCAGGGTCAGGGCCTCCCCTGAATACTCCTAGTAGATGACC-3'

ClinVar aggregate classification (germline): Uncertain significance. Review status: criteria provided, multiple submitters, no conflicts (2 of 4 stars). 2 submissions from 2 submitters: Uncertain significance (2). Last evaluated 2023-05-06.

Conditions:
Osteogenesis imperfecta type I (OI1). Also called: Lobstein disease; OI, TYPE I; OSTEOGENESIS IMPERFECTA TARDA; OSTEOGENESIS IMPERFECTA WITH BLUE SCLERAE; Osteogenesis imperfecta type 1; Lobstein's Disease. Identifiers: Orphanet 216796, Orphanet 666, MedGen C0023931, MONDO:0008146, OMIM 166200. Disease mechanism: loss of function.

Submissions (2):

Labcorp Genetics (formerly Invitae), Labcorp
Classification: Uncertain significance for Osteogenesis imperfecta type I. Last evaluated: 2023-05-06. Review status: criteria provided, single submitter. Criteria: Invitae Variant Classification Sherloc (09022015). Collection method: clinical testing. Allele origin: germline.
Comment: This sequence change falls in intron 33 of the COL1A1 gene. It does not directly change the encoded amino acid sequence of the COL1A1 protein. It affects a nucleotide within the consensus splice site. This variant is not present in population databases (gnomAD no frequency). This variant has not been reported in the literature in individuals affected with COL1A1-related conditions. Variants that disrupt the consensus splice site are a relatively common cause of aberrant splicing (PMID: 17576681, 9536098). Algorithms developed to predict the effect of sequence changes on RNA splicing suggest that this variant is not likely to affect RNA splicing. In summary, the available evidence is currently insufficient to determine the role of this variant in disease. Therefore, it has been classified as a Variant of Uncertain Significance.

Blueprint Genetics
Classification: Uncertain significance. Last evaluated: 2019-03-20. Review status: criteria provided, single submitter. Criteria: ACMG Guidelines, 2015. Collection method: clinical testing. Allele origin: germline.

Literature cited by the submitters: PubMed 17576681 (cited by Labcorp Genetics (formerly Invitae), Labcorp); PubMed 9536098 (cited by Labcorp Genetics (formerly Invitae), Labcorp).